The following is an entry in ClinVar:

NM_004525.3(LRP2):c.190G>A (p.Val64Ile)

Gene: LRP2 (LDL receptor related protein 2; minus strand). Cytogenetic location: 2q31.1.
Variant type: single nucleotide variant.
Coding change: c.190G>A on transcript NM_004525.3 (MANE Select); coding-DNA position 190, G replaced by A.
Protein change: p.Val64Ile; replaces valine 64 with isoleucine.
Molecular consequence: missense variant.
Genome position (GRCh38, 1-based): chr2:169,318,882, C>T on the plus strand (G>A on the coding strand, the complement: LRP2 is on the minus strand). VCF-style: chr2-169318882-C-T. GRCh37 (hg19) VCF-style: chr2-170175392-C-T.
Other names: short protein forms V64I.
Identifiers: ClinVar variation 1448003 (VCV001448003.6), dbSNP rs766487772, ClinGen allele CA1955956.

ClinVar aggregate classification (germline): Uncertain significance (1 of 4 stars; one submission).

Allele frequency attached by ClinVar (database versions not stated): gnomAD exomes below 0.00001 and 0.00001; ExAC 0.00001; gnomAD 0.00002 and 0.00003; TOPMed 0.00003.
gnomAD v4.1: 8 of 1,613,988 alleles (0.0005%); highest among the groups gnomAD compares: African/African-American, 0.0053%; 1 homozygote.

Submission:

Labcorp Genetics (formerly Invitae), Labcorp
Classification: Uncertain significance. Last evaluated: 2025-02-27. Review status: criteria provided, single submitter. Criteria: Invitae Variant Classification Sherloc (09022015). Collection method: clinical testing. Allele origin: germline.
Comment: This sequence change replaces valine, which is neutral and non-polar, with isoleucine, which is neutral and non-polar, at codon 64 of the LRP2 protein (p.Val64Ile). This variant is present in population databases (rs766487772, gnomAD 0.02%). This variant has not been reported in the literature in individuals affected with LRP2-related conditions. ClinVar contains an entry for this variant (Variation ID: 1448003). An algorithm developed to predict the effect of missense changes on protein structure and function (PolyPhen-2) suggests that this variant is likely to be tolerated. In summary, the available evidence is currently insufficient to determine the role of this variant in disease. Therefore, it has been classified as a Variant of Uncertain Significance.